The following is an entry in ClinVar:

ClinVar aggregate classification (germline): Conflicting classifications of pathogenicity. Review status: criteria provided, conflicting classifications (1 of 4 stars). 2 submissions from 2 submitters: Likely pathogenic (1); Uncertain significance (1). Last evaluated 2025-12-01.

Allele frequency attached by ClinVar (database versions not stated): gnomAD exomes 0.00001 and 0.00002; ExAC 0.00002; gnomAD 0.00003 and 0.00004; TOPMed 0.00005; ESP Exome Variant Server 0.00008.
gnomAD v4.1: 12 of 1,613,866 alleles (0.00074%); highest among the groups gnomAD compares: African/African-American, 0.0093%; no homozygotes.

Submissions (2):

Labcorp Genetics (formerly Invitae), Labcorp
Classification: Likely pathogenic. Last evaluated: 2025-12-01. Review status: criteria provided, single submitter. Criteria: Invitae Variant Classification Sherloc (09022015). Collection method: clinical testing. Allele origin: germline.
Comment: This sequence change replaces arginine, which is basic and polar, with glutamine, which is neutral and polar, at codon 276 of the PDE6C protein (p.Arg276Gln). This variant is present in population databases (rs139251833, gnomAD 0.01%). This missense change has been observed in individuals with clinical features of PDE6C-related conditions (PMID: 36259723, 36833446). ClinVar contains an entry for this variant (Variation ID: 1017583). Invitae Evidence Modeling of protein sequence and biophysical properties (such as structural, functional, and spatial information, amino acid conservation, physicochemical variation, residue mobility, and thermodynamic stability) indicates that this missense variant is expected to disrupt PDE6C protein function with a positive predictive value of 95%. In summary, the currently available evidence indicates that the variant is pathogenic, but additional data are needed to prove that conclusively. Therefore, this variant has been classified as Likely Pathogenic.

Blueprint Genetics
Classification: Uncertain significance. Last evaluated: 2022-02-07. Review status: criteria provided, single submitter. Criteria: ACMG Guidelines, 2015. Collection method: clinical testing. Allele origin: germline.

Literature cited by the submitters: PubMed 36259723 (cited by Labcorp Genetics (formerly Invitae), Labcorp); PubMed 36833446 (cited by Labcorp Genetics (formerly Invitae), Labcorp).

NM_006204.4(PDE6C):c.827G>A (p.Arg276Gln)

Gene: PDE6C (phosphodiesterase 6C; plus strand). Cytogenetic location: 10q23.33.
Variant type: single nucleotide variant.
Coding change: c.827G>A on transcript NM_006204.4 (MANE Select); coding-DNA position 827, G replaced by A.
Protein change: p.Arg276Gln; replaces arginine 276 with glutamine.
Molecular consequence: missense variant.
Genome position (GRCh38, 1-based): chr10:93,622,035, G>A. VCF-style: chr10-93622035-G-A. GRCh37 (hg19) VCF-style: chr10-95381792-G-A.
Other names: short protein forms R276Q.
Identifiers: ClinVar variation 1017583 (VCV001017583.9), dbSNP rs139251833, ClinGen allele CA5609952.